The following is an entry in ClinVar:

ClinVar aggregate classification (germline): Uncertain significance (1 of 4 stars; one submission).

gnomAD v4.1: 13 of 1,614,042 alleles (0.00081%); highest among the groups gnomAD compares: Admixed American, 0.022%; no homozygotes.

Submission:

Mayo Clinic Laboratories, Mayo Clinic
Classification: Uncertain significance. Last evaluated: 2025-01-31. Review status: criteria provided, single submitter. Criteria: ACMG Guidelines, 2015. Collection method: clinical testing. Allele origin: germline. Observed: 1 variant allele.
Comment: BS1

NM_000089.4(COL1A2):c.2510T>A (p.Val837Asp)

Gene: COL1A2 (collagen type I alpha 2 chain; plus strand). Cytogenetic location: 7q21.3.
Variant type: single nucleotide variant.
Coding change: c.2510T>A on transcript NM_000089.4 (MANE Select); coding-DNA position 2510, T replaced by A.
Protein change: p.Val837Asp; replaces valine 837 with aspartic acid.
Molecular consequence: missense variant.
Genome position (GRCh38, 1-based): chr7:94,423,063, T>A. VCF-style: chr7-94423063-T-A. GRCh37 (hg19) VCF-style: chr7-94052375-T-A.
Other names: p.Val837Asp; short protein forms V837D.
Identifiers: ClinVar variation 4541315 (VCV004541315.1).
Genomic context (GRCh38, chr7:94,423,063, plus strand): 5'-GGCTTCGTGGTCCTCGTGGTGACCAAGGTCCAGTTGGCCGAACTGGAGAAGTAGGTGCAG[T>A]TGGTCCCCCTGGCTTCGCTGGTGAGAAGGGTCCCTCTGGAGAGGCTGGTACTGCTGTAAG-3'
Protein context (NP_000080.2, residues 827-847): PVGRTGEVGA[Val837Asp]GPPGFAGEKG